The following is an entry in ClinVar:

ClinVar aggregate classification (germline): Conflicting classifications of pathogenicity. Review status: criteria provided, conflicting classifications (1 of 4 stars). 5 submissions from 5 submitters: Uncertain significance (4); Likely benign (1). Last evaluated 2026-09-08.

Conditions:
Inborn genetic diseases. Identifiers: MedGen C0950123, MeSH D030342.
Autosomal recessive nonsyndromic hearing loss 3. Also called: NEUROSENSORY NONSYNDROMIC RECESSIVE DEAFNESS 3. Identifiers: Orphanet 90636, MedGen C1838263, MONDO:0010860, OMIM 600316.

Allele frequency attached by ClinVar (database versions not stated): 1000 Genomes Project 30x 0.00078.

Submissions (5):

GeneDx
Classification: Uncertain significance. Last evaluated: 2026-09-08. Review status: criteria provided, single submitter. Criteria: GeneDx Variant Classification Process June 2021. Collection method: clinical testing. Allele origin: germline.
Comment: In silico analysis suggests that this missense variant does not alter protein structure/function; Has not been previously published as pathogenic or benign to our knowledge

Blueprint Genetics
Classification: Uncertain significance. Last evaluated: 2024-11-07. Review status: criteria provided, single submitter. Criteria: ACMG Guidelines, 2015. Collection method: clinical testing. Allele origin: germline.

Labcorp Genetics (formerly Invitae), Labcorp
Classification: Likely benign. Last evaluated: 2024-10-04. Review status: criteria provided, single submitter. Criteria: Invitae Variant Classification Sherloc (09022015). Collection method: clinical testing. Allele origin: germline.

Ambry Genetics
Classification: Uncertain significance for Inborn genetic diseases. Last evaluated: 2023-12-11. Review status: criteria provided, single submitter. Criteria: Ambry Variant Classification Scheme 2023. Collection method: clinical testing. Allele origin: germline.

Molecular Diagnosis Center for Deafness
Classification: Uncertain significance for Autosomal recessive nonsyndromic hearing loss 3. Review status: criteria provided, single submitter. Criteria: ClinGen HL ACMG Specifications v1. Collection method: clinical testing. Allele origin: maternal. Observed: 1 variant allele.

NM_016239.4(MYO15A):c.2257G>C (p.Ala753Pro)

Gene: MYO15A (myosin XVA; plus strand). Cytogenetic location: 17p11.2.
Variant type: single nucleotide variant.
Coding change: c.2257G>C on transcript NM_016239.4 (MANE Select); coding-DNA position 2257, G replaced by C.
Protein change: p.Ala753Pro; replaces alanine 753 with proline.
Molecular consequence: missense variant.
Genome position (GRCh38, 1-based): chr17:18,121,057, G>C. VCF-style: chr17-18121057-G-C. GRCh37 (hg19) VCF-style: chr17-18024371-G-C.
Other names: c.2257G>C (NM_016239.3); short protein forms A753P.
Identifiers: ClinVar variation 1301915 (VCV001301915.8), dbSNP rs776096881, ClinGen allele CA8423239.